The following is an entry in ClinVar:

ClinVar aggregate classification (germline): Pathogenic (1 of 4 stars; one submission).

Conditions:
Osteogenesis imperfecta type I (OI1). Also called: Lobstein's Disease; Lobstein disease; Osteogenesis imperfecta type 1; Classic Non-deforming Osteogenesis Imperfecta with Blue Sclerae; OI, TYPE I; OSTEOGENESIS IMPERFECTA TARDA. Identifiers: Orphanet 216796, Orphanet 666, MedGen C0023931, MONDO:0008146, OMIM 166200. Disease mechanism: loss of function.

Submission:

Labcorp Genetics (formerly Invitae), Labcorp
Classification: Pathogenic for Osteogenesis imperfecta type I. Last evaluated: 2023-11-03. Review status: criteria provided, single submitter. Criteria: Invitae Variant Classification Sherloc (09022015). Collection method: clinical testing. Allele origin: germline.
Comment: This sequence change creates a premature translational stop signal (p.Gly185Valfs*80) in the COL1A1 gene. It is expected to result in an absent or disrupted protein product. Loss-of-function variants in COL1A1 are known to be pathogenic (PMID: 7942841, 9295084, 9443882). This variant is not present in population databases (gnomAD no frequency). This variant has not been reported in the literature in individuals affected with COL1A1-related conditions. For these reasons, this variant has been classified as Pathogenic.

Literature cited by the submitters: PubMed 7942841; PubMed 9295084; PubMed 9443882.

NM_000088.4(COL1A1):c.554del (p.Gly185fs)

Gene: COL1A1 (collagen type I alpha 1 chain; minus strand). Cytogenetic location: 17q21.33.
Variant type: Deletion.
Coding change: c.554del on transcript NM_000088.4 (MANE Select); coding-DNA position 554, one base deleted (G; older notation c.554delG).
Protein change: p.Gly185fs; shifts the reading frame from glycine 185.
Molecular consequence: frameshift variant.
Genome position (GRCh38, 1-based): chr17:50,198,195, C deleted on the plus strand (G on the coding strand, the reverse complement: COL1A1 is on the minus strand); the first of 2 consecutive C bases (chr17:50,198,195-50,198,196); deleting either gives the same sequence. VCF-style (leftmost placement, unchanged base first): chr17-50198194-AC-A. GRCh37 (hg19) VCF-style: chr17-48275555-AC-A.
Other names: short protein forms G185fs.
Identifiers: ClinVar variation 2693033 (VCV002693033.3), dbSNP rs2509248258, ClinGen allele CA2697560379.